The following is an entry in ClinVar:

ClinVar aggregate classification (germline): Pathogenic. Review status: criteria provided, single submitter (1 of 4 stars). 2 submissions from 2 submitters: Pathogenic (1). 1 of the submissions does not count toward it. Last evaluated 2024-06-07.

Conditions:
Mucopolysaccharidosis, MPS-II (MPS2). Also called: IDS deficiency; Sulfoiduronate sulfatase deficiency; SIDS deficiency; Mucopolysaccharidosis type 2; Mucopolysaccharidosis Type II; Attenuated MPS (subtype; formerly known as mild MPS II). Identifiers: Orphanet 580, Orphanet 79388, MedGen C0026705, MONDO:0010674, OMIM 309900.

Submissions (2):

Laboratory of Diagnosis and Therapy of Lysosomal Disorders, University of Padova
Classification: Pathogenic for Mucopolysaccharidosis, MPS-II. Last evaluated: 2024-06-07. Review status: criteria provided, single submitter. Criteria: ACMG Guidelines, 2015. Collection method: literature only. Allele origin: germline. Affected: yes. Observed: 1 variant allele.
Comment: Null variant (PVS1_Strong), Absent from controls (or at low frequency) in gnomAD database (PM2_Moderate), Patient’s phenotype or family history highly specific for the disease (PP4_Strong)

Classification method: ACMG Guidelines [PMID:25741868] with modifications

Laboratory of Inherited Metabolic Diseases, Research centre for medical genetics
Classification: Pathogenic for Mucopolysaccharidosis, type II; MPS2. Review status: no assertion criteria provided. Collection method: research. Allele origin: germline. Affected: yes. Not counted in ClinVar's aggregate classification.

Literature cited by the submitters: PubMed 33676511 (cited by Laboratory of Diagnosis and Therapy of Lysosomal Disorders, University of Padova).

NM_000202.8(IDS):c.1214_1220del (p.Ser405fs)

Gene: IDS (iduronate 2-sulfatase; minus strand). Cytogenetic location: Xq28.
Variant type: Deletion.
Coding change: c.1214_1220del on transcript NM_000202.8 (MANE Select); coding-DNA positions 1214 to 1220, 7 bases deleted (CTCTTTT; older notation c.1214_1220delCTCTTTT).
Protein change: p.Ser405fs; shifts the reading frame from serine 405.
Molecular consequence: frameshift variant.
Genome position (GRCh38, 1-based): chrX:149,483,179-149,483,185, AAAAGAG deleted on the plus strand (CTCTTTT on the coding strand, the reverse complement: IDS is on the minus strand); deleting any 7 consecutive bases within chrX:149,483,179-149,483,186 gives the same sequence; the c. name uses the placement nearest the transcript's 3' end. VCF-style (leftmost placement, unchanged base first): chrX-149483178-AAAAAGAG-A. GRCh37 (hg19) VCF-style: chrX-148564709-AAAAAGAG-A.
Other names: c.944_950del, p.Ser315fs (NM_001166550.4); short protein forms S315fs, S405fs.
Identifiers: ClinVar variation 988694 (VCV000988694.3), dbSNP rs2089308167, ClinGen allele CA2465004084.